The following is an entry in ClinVar:

ClinVar aggregate classification (germline): Uncertain significance. Review status: criteria provided, multiple submitters, no conflicts (2 of 4 stars). 9 submissions from 9 submitters: Uncertain significance (8). 1 of the submissions does not count toward it. Last evaluated 2025-01-16.

Conditions:
Inborn genetic diseases. Identifiers: MedGen C0950123, MeSH D030342.
Neuronal ceroid lipofuscinosis. Also called: Neuronal Ceroid Lipofuscinoses. Identifiers: Orphanet 216, Orphanet 79263, MedGen C0027877, MONDO:0016295. Disease mechanism: loss of function.
Neuronal ceroid lipofuscinosis 5 (CLN5). Also called: Neuronal ceroid lipofuscinosis Finnish variant; NEURONAL CEROID LIPOFUSCINOSIS, LATE INFANTILE, FINNISH VARIANT; CLN5-Related Neuronal Ceroid-Lipofuscinosis; CEROID LIPOFUSCINOSIS, NEURONAL, 5, VARIABLE AGE AT ONSET. Identifiers: Orphanet 168491, Orphanet 228360, MedGen C1850442, MONDO:0009745, OMIM 256731.

Allele frequency attached by ClinVar (database versions not stated): gnomAD exomes 0.00001; ExAC 0.00002; gnomAD 0.00006; TOPMed 0.00006; ESP Exome Variant Server 0.00008.
gnomAD v4.1: 163 of 1,581,062 alleles (0.01%); highest among the groups gnomAD compares: Non-Finnish European, 0.013%; no homozygotes.

Submissions (9):

GeneDx
Classification: Uncertain significance. Last evaluated: 2025-01-16. Review status: criteria provided, single submitter. Criteria: GeneDx Variant Classification Process June 2021. Collection method: clinical testing. Allele origin: germline. Affected: yes.
Comment: Observed with a second variant in CLN5 in a patient with dystonia and behavior concerns; detailed clinical information and segregation studies were not reported (PMID: 37541188); In silico analysis supports that this missense variant does not alter protein structure/function; Not observed at a significant frequency in large population cohorts (gnomAD); Also known as p.(R51H); This variant is associated with the following publications: (PMID: 37541188)

Blueprint Genetics
Classification: Uncertain significance. Last evaluated: 2024-06-18. Review status: criteria provided, single submitter. Criteria: ACMG Guidelines, 2015. Collection method: clinical testing. Allele origin: germline.

Labcorp Genetics (formerly Invitae), Labcorp
Classification: Uncertain significance for Neuronal ceroid lipofuscinosis. Last evaluated: 2022-09-06. Review status: criteria provided, single submitter. Criteria: Invitae Variant Classification Sherloc (09022015). Collection method: clinical testing. Allele origin: germline.
Comment: This sequence change replaces arginine, which is basic and polar, with histidine, which is basic and polar, at codon 100 of the CLN5 protein (p.Arg100His). The frequency data for this variant in the population databases is considered unreliable, as metrics indicate poor data quality at this position in the gnomAD database. This variant has not been reported in the literature in individuals affected with CLN5-related conditions. ClinVar contains an entry for this variant (Variation ID: 285012). Algorithms developed to predict the effect of missense changes on protein structure and function output the following: SIFT: "Deleterious"; PolyPhen-2: "Benign"; Align-GVGD: "Class C0". The histidine amino acid residue is found in multiple mammalian species, which suggests that this missense change does not adversely affect protein function. In summary, the available evidence is currently insufficient to determine the role of this variant in disease. Therefore, it has been classified as a Variant of Uncertain Significance.

Ambry Genetics
Classification: Uncertain significance for Inborn genetic diseases. Last evaluated: 2021-11-09. Review status: criteria provided, single submitter. Criteria: Ambry Variant Classification Scheme 2023. Collection method: clinical testing. Allele origin: germline.

Genome-Nilou Lab
Classification: Uncertain significance for Neuronal ceroid lipofuscinosis 5. Last evaluated: 2021-09-05. Review status: criteria provided, single submitter. Criteria: ACMG Guidelines, 2015. Collection method: clinical testing. Allele origin: germline. Affected: no.

Fulgent Genetics
Classification: Uncertain significance for Neuronal ceroid lipofuscinosis 5. Last evaluated: 2021-08-18. Review status: criteria provided, single submitter. Criteria: ACMG Guidelines, 2015. Collection method: clinical testing. Allele origin: unknown.

Baylor Genetics
Classification: Uncertain significance for Neuronal ceroid lipofuscinosis 5. Last evaluated: 2018-01-18. Review status: criteria provided, single submitter. Criteria: ACMG Guidelines, 2015. Collection method: clinical testing. Allele origin: paternal. Affected: yes.
Comment: This variant was determined to be of uncertain significance according to ACMG Guidelines, 2015 [PMID:25741868].

Eurofins Ntd Llc (ga)
Classification: Uncertain significance. Last evaluated: 2015-12-04. Review status: criteria provided, single submitter. Criteria: EGL Classification Definitions 2015. Collection method: clinical testing. Allele origin: germline. Observed: 1 variant allele, 1 heterozygote.

Natera, Inc.
Classification: Uncertain significance for Neuronal ceroid lipofuscinosis 5. Last evaluated: 2020-04-16. Review status: no assertion criteria provided. Collection method: clinical testing. Allele origin: germline. Not counted in ClinVar's aggregate classification.

NM_006493.4(CLN5):c.152G>A (p.Arg51His)

Genes: CLN5 (CLN5 lysosomal BMP synthase; plus strand), LOC130009913 (ATAC-STARR-seq lymphoblastoid silent region 5414; plus strand). Cytogenetic location: 13q22.3.
Variant type: single nucleotide variant.
Coding change: c.152G>A on transcript NM_006493.4 (MANE Select); coding-DNA position 152, G replaced by A.
Protein change: p.Arg51His; replaces arginine 51 with histidine.
Molecular consequence: missense variant.
Genome position (GRCh38, 1-based): chr13:76,992,250, G>A. VCF-style: chr13-76992250-G-A. GRCh37 (hg19) VCF-style: chr13-77566385-G-A.
Other names: c.152G>A, p.Arg51His (NM_001366624.2); c.299G>A (LRG_692t1); short protein forms R51H.
Identifiers: ClinVar variation 285012 (VCV000285012.23), dbSNP rs367952803, ClinGen allele CA7007139.